The following is an entry in ClinVar:

ClinVar aggregate classification (germline): Uncertain significance (1 of 4 stars; one submission).

Conditions:
MHC class I deficiency. Identifiers: Orphanet 34592, MedGen C6024714, MONDO:0011476.

Allele frequency attached by ClinVar (database versions not stated): TOPMed below 0.00001.
gnomAD v4.1: 15 of 1,612,436 alleles (0.00093%); highest among the groups gnomAD compares: Non-Finnish European, 0.0013%; no homozygotes.

Submission:

Labcorp Genetics (formerly Invitae), Labcorp
Classification: Uncertain significance for MHC class I deficiency 1. Last evaluated: 2021-03-26. Review status: criteria provided, single submitter. Criteria: Invitae Variant Classification Sherloc (09022015). Collection method: clinical testing. Allele origin: germline.
Comment: In summary, the available evidence is currently insufficient to determine the role of this variant in disease. Therefore, it has been classified as a Variant of Uncertain Significance. Algorithms developed to predict the effect of missense changes on protein structure and function are either unavailable or do not agree on the potential impact of this missense change (SIFT: "Deleterious"; PolyPhen-2: "Possibly Damaging"; Align-GVGD: "Class C0"). This variant has not been reported in the literature in individuals with TAP1-related conditions. This variant is not present in population databases (ExAC no frequency). This sequence change replaces arginine with proline at codon 245 of the TAP1 protein (p.Arg245Pro). The arginine residue is moderately conserved and there is a moderate physicochemical difference between arginine and proline.

NM_000593.6(TAP1):c.554G>C (p.Arg185Pro)

Gene: TAP1 (transporter 1, ATP binding cassette subfamily B member; minus strand). Cytogenetic location: 6p21.32.
Variant type: single nucleotide variant.
Coding change: c.554G>C on transcript NM_000593.6 (MANE Select); coding-DNA position 554, G replaced by C.
Protein change: p.Arg185Pro; replaces arginine 185 with proline.
Molecular consequence: missense variant.
Genome position (GRCh38, 1-based): chr6:32,853,083, C>G on the plus strand (G>C on the coding strand, the complement: TAP1 is on the minus strand). VCF-style: chr6-32853083-C-G. GRCh37 (hg19) VCF-style: chr6-32820860-C-G.
Other names: short protein forms R185P.
Identifiers: ClinVar variation 1372119 (VCV001372119.8), dbSNP rs770721925, ClinGen allele CA363581980.
Genomic context (GRCh38, chr6:32,853,083, plus strand): 5'-CCTGCGTTCCCCTTACCAAGAGAGGAGAGGACCACCAGGACCAGGAACAGCGAGAGGCGG[C>G]GCGTCTCCGAGCCCAGGCAGCCTAGAAGCCGACGCACAGGGTTTCCAGAGCCGCCCTGAC-3'
Protein context (NP_000584.3, residues 175-195): RLLGCLGSET[Arg185Pro]RLSLFLVLVV